The following is an entry in ClinVar:

ClinVar aggregate classification (germline): Uncertain significance (1 of 4 stars; one submission).

gnomAD v4.1: 1 of 1,614,126 alleles (0.000062%); highest among the groups gnomAD compares: Non-Finnish European, 0.000085%; no homozygotes.

Submission:

Ambry Genetics
Classification: Uncertain significance. Last evaluated: 2026-07-01. Review status: criteria provided, single submitter. Criteria: Ambry Variant Classification Scheme 2023. Collection method: clinical testing. Allele origin: germline.
Comment: The p.A701S variant (also known as c.2101G>T), located in coding exon 21 of the KIF1B gene, results from a G to T substitution at nucleotide position 2101. The alanine at codon 701 is replaced by serine, an amino acid with similar properties. This amino acid position is conserved. In addition, the in silico prediction for this alteration is inconclusive. Based on the available evidence, the clinical significance of this variant remains unclear.

NM_001365951.3(KIF1B):c.2239G>T (p.Ala747Ser)

Gene: KIF1B (kinesin family member 1B; plus strand). Cytogenetic location: 1p36.22.
Variant type: single nucleotide variant.
Coding change: c.2239G>T on transcript NM_001365951.3 (MANE Select); coding-DNA position 2239, G replaced by T.
Protein change: p.Ala747Ser; replaces alanine 747 with serine.
Molecular consequence: missense variant.
Genome position (GRCh38, 1-based): chr1:10,321,738, G>T. VCF-style: chr1-10321738-G-T. GRCh37 (hg19) VCF-style: chr1-10381796-G-T.
Other names: c.2239G>T, p.Ala747Ser (NM_001365952.1); c.2101G>T, p.Ala701Ser (NM_015074.3); short protein forms A701S, A747S.
Identifiers: ClinVar variation 5023178 (VCV005023178.1).